The following is an entry in ClinVar:

ClinVar aggregate classification (germline): Uncertain significance (1 of 4 stars; one submission).

gnomAD v4.1: 1 of 152,210 alleles (0.00066%); highest among the groups gnomAD compares: Admixed American, 0.0065%; no homozygotes.

Submission:

Greenwood Genetic Center Diagnostic Laboratories, Greenwood Genetic Center
Classification: Uncertain significance. Last evaluated: 2024-05-30. Review status: criteria provided, single submitter. Criteria: ACMG Guidelines, 2015. Collection method: clinical testing. Allele origin: germline. Affected: yes.
Comment: PM2

NM_006265.3(RAD21):c.1161+325A>G

Gene: RAD21 (RAD21 cohesin complex component; minus strand). Cytogenetic location: 8q24.11.
Variant type: single nucleotide variant.
Coding change: c.1161+325A>G on transcript NM_006265.3 (MANE Select); 325 bases into the intron after coding-DNA position 1161, A replaced by G.
Molecular consequence: intron variant.
Genome position (GRCh38, 1-based): chr8:116,853,920, T>C on the plus strand (A>G on the coding strand, the complement: RAD21 is on the minus strand). VCF-style: chr8-116853920-T-C. GRCh37 (hg19) VCF-style: chr8-117866159-T-C.
Identifiers: ClinVar variation 3338536 (VCV003338536.1).